The following is an entry in ClinVar:

NM_001211.6(BUB1B):c.476C>G (p.Ala159Gly)

Gene: BUB1B (BUB1 mitotic checkpoint serine/threonine kinase B; plus strand). Cytogenetic location: 15q15.1.
Variant type: single nucleotide variant.
Coding change: c.476C>G on transcript NM_001211.6 (MANE Select); coding-DNA position 476, C replaced by G.
Protein change: p.Ala159Gly; replaces alanine 159 with glycine.
Molecular consequence: missense variant.
Genome position (GRCh38, 1-based): chr15:40,176,568, C>G. VCF-style: chr15-40176568-C-G. GRCh37 (hg19) VCF-style: chr15-40468769-C-G.
Other names: short protein forms A159G.
Identifiers: ClinVar variation 4216949 (VCV004216949.1).

ClinVar aggregate classification (germline): Uncertain significance (1 of 4 stars; one submission).

Conditions:
Inborn genetic diseases. Identifiers: MedGen C0950123, MeSH D030342.

gnomAD v4.1: 1 of 1,613,988 alleles (0.000062%); no homozygotes.

Submission:

Ambry Genetics
Classification: Uncertain significance for Inborn genetic diseases. Last evaluated: 2025-07-28. Review status: criteria provided, single submitter. Criteria: Ambry Variant Classification Scheme 2023. Collection method: clinical testing. Allele origin: germline.
Comment: The p.A159G variant (also known as c.476C>G), located in coding exon 5 of the BUB1B gene, results from a C to G substitution at nucleotide position 476. The alanine at codon 159 is replaced by glycine, an amino acid with similar properties. This amino acid position is conserved. In addition, the in silico prediction for this alteration is inconclusive. Based on the available evidence, the clinical significance of this variant remains unclear.